The following is an entry in ClinVar:

ClinVar aggregate classification (germline): Uncertain significance (1 of 4 stars; one submission).

Conditions:
Inborn genetic diseases. Identifiers: MedGen C0950123, MeSH D030342.

gnomAD v4.1: 3 of 1,612,390 alleles (0.00019%); highest among the groups gnomAD compares: Non-Finnish European, 0.00017%; no homozygotes.

Submission:

Ambry Genetics
Classification: Uncertain significance for Inborn genetic diseases. Last evaluated: 2025-06-14. Review status: criteria provided, single submitter. Criteria: Ambry Variant Classification Scheme 2023. Collection method: clinical testing. Allele origin: germline.
Comment: The p.P417S variant (also known as c.1249C>T), located in coding exon 6 of the RECQL4 gene, results from a C to T substitution at nucleotide position 1249. The proline at codon 417 is replaced by serine, an amino acid with similar properties. This amino acid position is conserved. In addition, this alteration is predicted to be tolerated by in silico analysis. Based on the available evidence, the clinical significance of this variant remains unclear.

NM_004260.4(RECQL4):c.1249C>T (p.Pro417Ser)

Gene: RECQL4 (RecQ like helicase 4; minus strand). Cytogenetic location: 8q24.3.
Variant type: single nucleotide variant.
Coding change: c.1249C>T on transcript NM_004260.4 (MANE Select); coding-DNA position 1249, C replaced by T.
Protein change: p.Pro417Ser; replaces proline 417 with serine.
Molecular consequence: missense variant. On other transcripts: non-coding transcript variant (3), intron variant (1).
Genome position (GRCh38, 1-based): chr8:144,515,773, G>A on the plus strand (C>T on the coding strand, the complement: RECQL4 is on the minus strand). VCF-style: chr8-144515773-G-A. GRCh37 (hg19) VCF-style: chr8-145741157-G-A.
Other names: c.1153C>T, p.Pro385Ser (NM_001413017.1, NM_001413020.1); c.1249C>T, p.Pro417Ser (NM_001413018.1, NM_001413019.1, NM_001413033.1 and 2 more transcripts); c.178C>T, p.Pro60Ser (NM_001413021.1, NM_001413022.1, NM_001413023.1 and 8 more transcripts); c.1120C>T, p.Pro374Ser (NM_001413025.1); c.116C>T, p.Ser39Phe (NM_001413027.1, NM_001413030.1, NM_001413031.1 and 2 more transcripts); c.898C>T, p.Pro300Ser (NM_001413029.1); c.-210+215C>T (NM_001413043.1); short protein forms P385S, P300S, P60S, S39F, P374S, P417S.
Identifiers: ClinVar variation 3944365 (VCV003944365.1).